The following is an entry in ClinVar:

NM_005343.4(HRAS):c.36C>T (p.Gly12=)

Genes: LRRC56 (leucine rich repeat containing 56; plus strand), HRAS (HRas proto-oncogene, GTPase; minus strand). Cytogenetic location: 11p15.5.
Variant type: single nucleotide variant.
Coding change: c.36C>T on transcript NM_005343.4 (MANE Select); coding-DNA position 36, C replaced by T.
Protein change: p.Gly12=; no amino-acid change (glycine 12 retained).
Molecular consequence: synonymous variant. On other transcripts: 5 prime UTR variant (1).
Genome position (GRCh38, 1-based): chr11:534,287, G>A on the plus strand (C>T on the coding strand, the complement: HRAS is on the minus strand). VCF-style: chr11-534287-G-A. GRCh37 (hg19) VCF-style: chr11-534287-G-A.
Other names: NM_005343.3(HRAS):c.36C>T; c.36C>T, p.Gly12= (NM_001130442.3, NM_176795.5); c.-284C>T (NM_001318054.2).
Identifiers: ClinVar variation 222076 (VCV000222076.22), dbSNP rs727504424, ClinGen allele CA356960.

ClinVar aggregate classification (germline): Likely benign. Review status: reviewed by expert panel (3 of 4 stars). 6 submissions from 6 submitters: Likely benign (1). 5 of the submissions do not count toward it. Last evaluated 2017-04-18.

Conditions:
HRAS-related disorder. Also called: HRAS-related condition.
Noonan syndrome and Noonan-related syndrome. Identifiers: Orphanet 98733, MedGen C5681679, MONDO:0020297.
Cardiovascular phenotype. Identifiers: MedGen CN230736.
RASopathy. Also called: rasopathies; Noonan spectrum disorder. Identifiers: Orphanet 536391, MedGen C5555857, MONDO:0021060.
Costello syndrome (CSTLO). Also called: FCS SYNDROME; FACIOCUTANEOSKELETAL SYNDROME; HRAS-Related Costello Syndrome. Identifiers: Orphanet 3071, MedGen C0587248, MONDO:0009026, OMIM 218040.

Allele frequency attached by ClinVar (database versions not stated): gnomAD exomes 0.00001 and 0.00009; TOPMed 0.00003; gnomAD 0.00004; ExAC 0.00007.
gnomAD v4.1: 20 of 1,613,138 alleles (0.0012%); highest among the groups gnomAD compares: East Asian, 0.045%; no homozygotes.

Submissions (6):

ClinGen RASopathy Variant Curation Expert Panel
Classification: Likely benign for Noonan syndrome and Noonan-related syndrome. Last evaluated: 2017-04-18. Review status: reviewed by expert panel. Criteria: ClinGen RASopathy ACMG Specifications v1. Collection method: curation. Allele origin: germline. Inheritance: Autosomal dominant inheritance.
Comment: The filtering allele frequency of the c.36C>T (p.Gly12=) variant in the HRAS gene is 0.0461% (8/8626) of East Asian chromosomes by the Exome Aggregation Consortium, which is a high enough frequency to be classified as likely benign based on thresholds defined by the ClinGen RASopathy Expert Panel (BS1; PMID:29493581)

Labcorp Genetics (formerly Invitae), Labcorp
Classification: Benign for Costello syndrome. Last evaluated: 2025-09-03. Review status: criteria provided, single submitter. Criteria: Invitae Variant Classification Sherloc (09022015). Collection method: clinical testing. Allele origin: germline. Not counted in ClinVar's aggregate classification.

Ambry Genetics
Classification: Likely benign for Cardiovascular phenotype. Last evaluated: 2025-05-03. Review status: criteria provided, single submitter. Criteria: Ambry Variant Classification Scheme 2023. Collection method: clinical testing. Allele origin: germline. Not counted in ClinVar's aggregate classification.

Women's Health and Genetics/Laboratory Corporation of America, LabCorp
Classification: Benign. Last evaluated: 2016-07-11. Review status: criteria provided, single submitter. Criteria: LabCorp Variant Classification Summary - May 2015. Collection method: clinical testing. Allele origin: germline. Not counted in ClinVar's aggregate classification.
Comment: Variant summary: The HRAS c.36C>T (p.Gly12Gly) variant involves the alteration of a non-conserved nucleotide resulting in a synonymous change. 4/5 splice prediction tools predict no significant impact on normal splicing. This variant was found in 8/120014 control chromosomes, observed exclusively in East Asian subpopulation at a frequency of 0.0009274 (8/8626). This frequency is about 371 times the estimated maximal expected allele frequency of a pathogenic HRAS variant (0.0000025), suggesting this is likely a benign polymorphism found primarily in the populations of East Asian origin. The variant of interest has not, to our knowledge, been reported in affected individuals with NSRD via publications and/or reputable databases/clinical diagnostic laboratories. It has been classified as VUS by a lab without evidence to independently evaluate. Taken together, this variant is classified as Benign.

PreventionGenetics, part of Exact Sciences
Classification: Likely benign for HRAS-related condition. Last evaluated: 2023-08-16. Review status: no assertion criteria provided. Collection method: clinical testing. Allele origin: germline. Not counted in ClinVar's aggregate classification.
Comment: This variant is classified as likely benign based on ACMG/AMP sequence variant interpretation guidelines (Richards et al. 2015 PMID: 25741868, with internal and published modifications).

Genome Diagnostics Laboratory, The Hospital for Sick Children
Classification: Likely pathogenic for Noonan syndrome and Noonan-related syndrome. Last evaluated: 2017-07-06. Review status: flagged submission. Criteria: ACMG Guidelines, 2015. Collection method: clinical testing. Allele origin: germline. Affected: yes. Not counted in ClinVar's aggregate classification.
ClinVar note: Reason: Conflicts with expert reviewed submission without evidence to support different classification